The following is an entry in ClinVar:

NM_005477.3(HCN4):c.677T>C (p.Val226Ala)

Gene: HCN4 (hyperpolarization activated cyclic nucleotide gated potassium channel 4; minus strand). Cytogenetic location: 15q24.1.
Variant type: single nucleotide variant.
Coding change: c.677T>C on transcript NM_005477.3 (MANE Select); coding-DNA position 677, T replaced by C.
Protein change: p.Val226Ala; replaces valine 226 with alanine.
Molecular consequence: missense variant.
Genome position (GRCh38, 1-based): chr15:73,367,594, A>G on the plus strand (T>C on the coding strand, the complement: HCN4 is on the minus strand). VCF-style: chr15-73367594-A-G. GRCh37 (hg19) VCF-style: chr15-73659935-A-G.
Other names: short protein forms V226A.
Identifiers: ClinVar variation 1462717 (VCV001462717.8), dbSNP rs2151228384, ClinGen allele CA393097262.

ClinVar aggregate classification (germline): Uncertain significance (1 of 4 stars; one submission).

Conditions:
Brugada syndrome 8 (BRGDA8). Identifiers: Orphanet 130, MedGen C2751083, MONDO:0013148, OMIM 613123.

Submission:

Labcorp Genetics (formerly Invitae), Labcorp
Classification: Uncertain significance for Brugada syndrome 8. Last evaluated: 2022-03-22. Review status: criteria provided, single submitter. Criteria: Invitae Variant Classification Sherloc (09022015). Collection method: clinical testing. Allele origin: germline.
Comment: In summary, the available evidence is currently insufficient to determine the role of this variant in disease. Therefore, it has been classified as a Variant of Uncertain Significance. Advanced modeling of protein sequence and biophysical properties (such as structural, functional, and spatial information, amino acid conservation, physicochemical variation, residue mobility, and thermodynamic stability) performed at Invitae indicates that this missense variant is not expected to disrupt HCN4 protein function. This variant has not been reported in the literature in individuals affected with HCN4-related conditions. This variant is not present in population databases (gnomAD no frequency). This sequence change replaces valine, which is neutral and non-polar, with alanine, which is neutral and non-polar, at codon 226 of the HCN4 protein (p.Val226Ala).